The following is an entry in ClinVar:

NM_000116.5(TAFAZZIN):c.757C>T (p.Arg253Trp)

Gene: TAFAZZIN (tafazzin, phospholipid-lysophospholipid transacylase; plus strand). Cytogenetic location: Xq28.
Variant type: single nucleotide variant.
Coding change: c.757C>T on transcript NM_000116.5 (MANE Select); coding-DNA position 757, C replaced by T.
Protein change: p.Arg253Trp; replaces arginine 253 with tryptophan.
Molecular consequence: missense variant. On other transcripts: non-coding transcript variant (1).
Genome position (GRCh38, 1-based): chrX:154,420,715, C>T. VCF-style: chrX-154420715-C-T. GRCh37 (hg19) VCF-style: chrX-153649054-C-T.
Other names: p.Arg253Trp; c.769C>T, p.Arg257Trp (NM_001303465.2); c.667C>T, p.Arg223Trp (NM_181311.4); c.715C>T, p.Arg239Trp (NM_181312.4); c.625C>T, p.Arg209Trp (NM_181313.4); short protein forms R209W, R223W, R253W, R257W, R239W.
Identifiers: ClinVar variation 849303 (VCV000849303.6), dbSNP rs2068605582, ClinGen allele CA415185470.

ClinVar aggregate classification (germline): Uncertain significance. Review status: criteria provided, multiple submitters, no conflicts (2 of 4 stars). 2 submissions from 2 submitters: Uncertain significance (2). Last evaluated 2025-06-08.

Conditions:
3-Methylglutaconic aciduria type 2 (BTHS). Also called: CARDIOSKELETAL MYOPATHY WITH NEUTROPENIA AND ABNORMAL MITOCHONDRIA; Barth syndrome. Identifiers: Orphanet 111, MedGen C0574083, MONDO:0010543, OMIM 302060.

Allele frequency attached by ClinVar (database versions not stated): gnomAD exomes below 0.00001.

Submissions (2):

Labcorp Genetics (formerly Invitae), Labcorp
Classification: Uncertain significance for 3-Methylglutaconic aciduria type 2. Last evaluated: 2025-06-08. Review status: criteria provided, single submitter. Criteria: Invitae Variant Classification Sherloc (09022015). Collection method: clinical testing. Allele origin: germline.
Comment: This sequence change replaces arginine, which is basic and polar, with tryptophan, which is neutral and slightly polar, at codon 253 of the TAZ protein (p.Arg253Trp). This variant is not present in population databases (gnomAD no frequency). This variant has not been reported in the literature in individuals affected with TAZ-related conditions. ClinVar contains an entry for this variant (Variation ID: 849303). An algorithm developed to predict the effect of missense changes on protein structure and function (PolyPhen-2) suggests that this variant is likely to be disruptive. In summary, the available evidence is currently insufficient to determine the role of this variant in disease. Therefore, it has been classified as a Variant of Uncertain Significance.

Mayo Clinic Laboratories, Mayo Clinic
Classification: Uncertain significance. Last evaluated: 2023-04-14. Review status: criteria provided, single submitter. Criteria: ACMG Guidelines, 2015. Collection method: clinical testing. Allele origin: germline. Observed: 2 variant alleles.
Comment: PM2_supporting